The following is an entry in ClinVar:

NM_006648.4(WNK2):c.1682C>T (p.Pro561Leu)

Gene: WNK2 (WNK lysine deficient protein kinase 2; plus strand). Cytogenetic location: 9q22.31.
Variant type: single nucleotide variant.
Coding change: c.1682C>T on transcript NM_006648.4 (MANE Select); coding-DNA position 1682, C replaced by T.
Protein change: p.Pro561Leu; replaces proline 561 with leucine.
Molecular consequence: missense variant.
Genome position (GRCh38, 1-based): chr9:93,247,682, C>T. VCF-style: chr9-93247682-C-T. GRCh37 (hg19) VCF-style: chr9-96009964-C-T.
Other names: c.1682C>T, p.Pro561Leu (NM_001282394.3); short protein forms P561L.
Identifiers: ClinVar variation 3333157 (VCV003333157.2).

ClinVar aggregate classification (germline): Uncertain significance (1 of 4 stars; one submission).

gnomAD v4.1: 84 of 1,573,108 alleles (0.0053%); highest among the groups gnomAD compares: Admixed American, 0.11%; 1 homozygote.

Submission:

Ambry Genetics
Classification: Uncertain significance. Last evaluated: 2024-11-26. Review status: criteria provided, single submitter. Criteria: Ambry Variant Classification Scheme 2023. Collection method: clinical testing. Allele origin: germline.
Comment: The p.P561L variant (also known as c.1682C>T), located in coding exon 7 of the WNK2 gene, results from a C to T substitution at nucleotide position 1682. The proline at codon 561 is replaced by leucine, an amino acid with similar properties. This amino acid position is conserved. In addition, this alteration is predicted to be tolerated by in silico analysis. Based on the available evidence, the clinical significance of this variant remains unclear.